The following is an entry in ClinVar:

NM_014762.4(DHCR24):c.*480C>T

Gene: DHCR24 (24-dehydrocholesterol reductase; minus strand). Cytogenetic location: 1p32.3.
Variant type: single nucleotide variant.
Coding change: c.*480C>T on transcript NM_014762.4 (MANE Select); 480 bases downstream of the stop codon, C replaced by T.
Molecular consequence: 3 prime UTR variant.
Genome position (GRCh38, 1-based): chr1:54,851,753, G>A on the plus strand (C>T on the coding strand, the complement: DHCR24 is on the minus strand). VCF-style: chr1-54851753-G-A. GRCh37 (hg19) VCF-style: chr1-55317426-G-A.
Identifiers: ClinVar variation 297640 (VCV000297640.5), dbSNP rs576670614, ClinGen allele CA10610131.

ClinVar aggregate classification (germline): Likely benign (1 of 4 stars; one submission).

Conditions:
Desmosterolosis. Identifiers: Orphanet 35107, MedGen C1865596, MONDO:0011217, OMIM 602398.

Allele frequency attached by ClinVar (database versions not stated): gnomAD exomes 0.00023; gnomAD 0.00054 and 0.00064; TOPMed 0.00057; 1000 Genomes Project 0.00060; 1000 Genomes Project 30x 0.00078.
gnomAD v4.1: 101 of 166,170 alleles (0.061%); highest among the groups gnomAD compares: South Asian, 0.31%; 1 homozygote.

Submission:

Illumina Laboratory Services, Illumina
Classification: Likely benign for Desmosterolosis. Last evaluated: 2018-01-12. Review status: criteria provided, single submitter. Criteria: ICSL Variant Classification Criteria 13 December 2019. Collection method: clinical testing. Allele origin: germline.
Comment: This variant was observed in the ICSL laboratory as part of a predisposition screen in an ostensibly healthy population. It had not been previously curated by ICSL or reported in the Human Gene Mutation Database (HGMD: prior to June 1st, 2018), and was therefore a candidate for classification through an automated scoring system. Utilizing variant allele frequency, disease prevalence and penetrance estimates, and inheritance mode, an automated score was calculated to assess if this variant is too frequent to cause the disease. Based on the score and internal cut-off values, a variant classified as likely benign is not then subjected to further curation. The score for this variant resulted in a classification of likely benign for this disease.